The following is an entry in ClinVar:

NM_025179.4(PLXNA2):c.5523C>T (p.Ala1841=)

Gene: PLXNA2 (plexin A2; minus strand). Cytogenetic location: 1q32.2.
Variant type: single nucleotide variant.
Coding change: c.5523C>T on transcript NM_025179.4 (MANE Select); coding-DNA position 5523, C replaced by T.
Protein change: p.Ala1841=; no amino-acid change (alanine 1841 retained).
Molecular consequence: synonymous variant.
Genome position (GRCh38, 1-based): chr1:208,028,075, G>A on the plus strand (C>T on the coding strand, the complement: PLXNA2 is on the minus strand). VCF-style: chr1-208028075-G-A. GRCh37 (hg19) VCF-style: chr1-208201420-G-A.
Identifiers: ClinVar variation 4989596 (VCV004989596.1).

ClinVar aggregate classification (germline): Likely benign (1 of 4 stars; one submission).

Conditions:
PLXNA2-related disorder. Also called: PLXNA2-related condition.

gnomAD v4.1: 10 of 1,613,422 alleles (0.00062%); highest among the groups gnomAD compares: Middle Eastern, 0.017%; no homozygotes.

Submission:

PreventionGenetics, part of Exact Sciences
Classification: Likely benign for PLXNA2-related condition. Last evaluated: 2025-05-20. Review status: criteria provided, single submitter. Criteria: ACMG Guidelines, 2015. Collection method: clinical testing. Allele origin: germline.
Comment: This variant is classified as likely benign based on ACMG/AMP sequence variant interpretation guidelines (Richards et al. 2015 PMID: 25741868, with internal and published modifications).